The following is an entry in ClinVar:

NM_020778.5(ALPK3):c.1126C>T (p.Arg376Trp)

Gene: ALPK3 (alpha kinase 3; plus strand). Cytogenetic location: 15q25.3.
Variant type: single nucleotide variant.
Coding change: c.1126C>T on transcript NM_020778.5 (MANE Select); coding-DNA position 1126, C replaced by T.
Protein change: p.Arg376Trp; replaces arginine 376 with tryptophan.
Molecular consequence: missense variant.
Genome position (GRCh38, 1-based): chr15:84,840,405, C>T. VCF-style: chr15-84840405-C-T. GRCh37 (hg19) VCF-style: chr15-85383636-C-T.
Other names: short protein forms R376W.
Identifiers: ClinVar variation 2428548 (VCV002428548.3), dbSNP rs962690116, ClinGen allele CA393374512.
Genomic context (GRCh38, chr15:84,840,405, plus strand): 5'-GGGACTCAGGGGCCCGTGGGCGTGGAGCAGGTTCAGACCCAGCCCAGAGGCAGGGCTGCA[C>T]GGGGGCCTGGGTCCTCTGGCACAGATAGTACCAGGAAGCCAGCCTCTGCTGTGGGCACTC-3'
Protein context (NP_065829.4, residues 366-386): VQTQPRGRAA[Arg376Trp]GPGSSGTDST

ClinVar aggregate classification (germline): Uncertain significance (1 of 4 stars; one submission).

Conditions:
Cardiomyopathy, familial hypertrophic 27. Identifiers: MedGen C4748014, MONDO:0054838, OMIM 618052.

Allele frequency attached by ClinVar (database versions not stated): gnomAD exomes below 0.00001.
gnomAD v4.1: 4 of 1,613,804 alleles (0.00025%); highest among the groups gnomAD compares: South Asian, 0.0011%; no homozygotes.

Submission:

ARUP Laboratories, Molecular Genetics and Genomics, ARUP Laboratories
Classification: Uncertain significance for Cardiomyopathy, familial hypertrophic 27. Last evaluated: 2022-10-21. Review status: criteria provided, single submitter. Criteria: ARUP Molecular Germline Variant Investigation Process 2021. Collection method: clinical testing. Allele origin: germline.
Comment: The ALPK3 c.1126C>T; p.Arg376Trp variant (rs962690116), to our knowledge, is not reported in the medical literature or gene specific databases. This variant is also absent from the Genome Aggregation Database, indicating it is not a common polymorphism. The arginine at codon 376 is moderately conserved, but computational analyses are uncertain whether this variant is neutral or deleterious (REVEL: 0.181). Due to limited information, the clinical significance of this variant is uncertain at this time.